The following is an entry in ClinVar:

ClinVar aggregate classification (germline): Pathogenic (1 of 4 stars; one submission).

Conditions:
Mucopolysaccharidosis type 7 (MPS7). Also called: BETA-GLUCURONIDASE DEFICIENCY; MPS VII; GUSB DEFICIENCY; SLY SYNDROME. Identifiers: Orphanet 584, MedGen C0085132, MONDO:0009662, OMIM 253220.

Submission:

Labcorp Genetics (formerly Invitae), Labcorp
Classification: Pathogenic for Mucopolysaccharidosis type 7. Last evaluated: 2019-11-27. Review status: criteria provided, single submitter. Criteria: Invitae Variant Classification Sherloc (09022015). Collection method: clinical testing. Allele origin: germline.
Comment: For these reasons, this variant has been classified as Pathogenic. Loss-of-function variants in GUSB are known to be pathogenic (PMID: 19224584). This variant has not been reported in the literature in individuals with GUSB-related conditions. This variant is an out-of-frame deletion of the genomic region encompassing exon 9 of the GUSB gene. This is expected to create a premature translational stop signal and result in an absent or disrupted protein product.

Literature cited by the submitters: PubMed 19224584.

NC_000007.14:g.(?_65970262)_(65970386_?)del

Gene: GUSB (glucuronidase beta; minus strand). Cytogenetic location: 7q11.21.
Variant type: Deletion.
Identifiers: ClinVar variation 832741 (VCV000832741.5).